The following is an entry in ClinVar:

ClinVar aggregate classification (germline): Uncertain significance (1 of 4 stars; one submission).

Conditions:
Combined immunodeficiency due to STK4 deficiency (IMD110). Also called: STK4 DEFICIENCY; MST1 DEFICIENCY; T-cell immunodeficiency, recurrent infections, and autoimmunity with or without cardiac malformations. Identifiers: Orphanet 314689, MedGen C3553943, MONDO:0013934, OMIM 614868.

Submission:

Labcorp Genetics (formerly Invitae), Labcorp
Classification: Uncertain significance for Combined immunodeficiency due to STK4 deficiency. Last evaluated: 2021-06-18. Review status: criteria provided, single submitter. Criteria: Invitae Variant Classification Sherloc (09022015). Collection method: clinical testing. Allele origin: germline.
Comment: In summary, the available evidence is currently insufficient to determine the role of this variant in disease. Therefore, it has been classified as a Variant of Uncertain Significance. Experimental studies and prediction algorithms are not available or were not evaluated, and the functional significance of this variant is currently unknown. This variant has not been reported in the literature in individuals with STK4-related conditions. This variant is present in population databases (rs773351957, ExAC 0.01%). This variant, c.1130_1135dup, results in the insertion of 2 amino acid(s) to the STK4 protein (p.Glu377_Glu378dup), but otherwise preserves the integrity of the reading frame.

NM_006282.5(STK4):c.1124AGGAAG[3] (p.Glu377_Glu378dup)

Gene: STK4 (serine/threonine kinase 4; plus strand). Cytogenetic location: 20q13.12.
Variant type: Microsatellite.
Coding change: c.1124AGGAAG[3] on transcript NM_006282.5 (MANE Select); three copies in a row of the 6-base unit AGGAAG starting at c.1124; the reference has two copies in a row; one copy, 6 bases duplicated.
Protein change: p.Glu377_Glu378dup.
Molecular consequence: inframe insertion.
Genome position (GRCh38, 1-based): chr20:45,001,336-45,001,341, AGGAAG duplicated; duplicating any 6 consecutive bases within chr20:45,001,329-45,001,341 gives the same sequence; the position shown is the placement nearest the transcript's 3' end. VCF-style (leftmost placement, unchanged base first): chr20-45001328-T-TGAGGAA. GRCh37 (hg19) VCF-style: chr20-43629969-T-TGAGGAA.
Other names: c.1124AGGAAG[3], p.Glu377_Glu378dup (NM_001352385.2).
Identifiers: ClinVar variation 1438542 (VCV001438542.6), dbSNP rs773351957, ClinGen allele CA9873981.